The following is an entry in ClinVar:

NM_004006.3(DMD):c.5044G>A (p.Glu1682Lys)

Gene: DMD (dystrophin; minus strand). Cytogenetic location: Xp21.1.
Variant type: single nucleotide variant.
Coding change: c.5044G>A on transcript NM_004006.3 (MANE Select); coding-DNA position 5044, G replaced by A.
Protein change: p.Glu1682Lys; replaces glutamic acid 1682 with lysine.
Molecular consequence: missense variant.
Genome position (GRCh38, 1-based): chrX:32,364,692, C>T on the plus strand (G>A on the coding strand, the complement: DMD is on the minus strand). VCF-style: chrX-32364692-C-T. GRCh37 (hg19) VCF-style: chrX-32382809-C-T.
Other names: c.5020G>A, p.Glu1674Lys (NM_000109.4); c.5032G>A, p.Glu1678Lys (NM_004009.3); c.4675G>A, p.Glu1559Lys (NM_004010.3); c.1021G>A, p.Glu341Lys (NM_004011.4); c.1012G>A, p.Glu338Lys (NM_004012.4); short protein forms E1559K, E1674K, E1678K, E338K, E1682K, E341K.
Identifiers: ClinVar variation 1449649 (VCV001449649.6), dbSNP rs2147254367, ClinGen allele CA412671660.

ClinVar aggregate classification (germline): Uncertain significance (1 of 4 stars; one submission).

Conditions:
Duchenne muscular dystrophy (DMD). Also called: Duchenne Muscular Dystrophy (DMD); MUSCULAR DYSTROPHY, PSEUDOHYPERTROPHIC PROGRESSIVE, DUCHENNE TYPE. Identifiers: Orphanet 98896, MedGen C0013264, MONDO:0010679, OMIM 310200.

Allele frequency attached by ClinVar (database versions not stated): gnomAD exomes below 0.00001.
gnomAD v4.1: 1 of 1,209,153 alleles (0.000083%); highest among the groups gnomAD compares: Non-Finnish European, 0.00011%; no homozygotes.

Submission:

Labcorp Genetics (formerly Invitae), Labcorp
Classification: Uncertain significance for Duchenne muscular dystrophy. Last evaluated: 2025-11-18. Review status: criteria provided, single submitter. Criteria: Invitae Variant Classification Sherloc (09022015). Collection method: clinical testing. Allele origin: germline.
Comment: This sequence change replaces glutamic acid, which is acidic and polar, with lysine, which is basic and polar, at codon 1682 of the DMD protein (p.Glu1682Lys). This variant is not present in population databases (gnomAD no frequency). This variant has not been reported in the literature in individuals affected with DMD-related conditions. ClinVar contains an entry for this variant (Variation ID: 1449649). Invitae Evidence Modeling of protein sequence and biophysical properties (such as structural, functional, and spatial information, amino acid conservation, physicochemical variation, residue mobility, and thermodynamic stability) indicates that this missense variant is not expected to disrupt DMD protein function with a negative predictive value of 95%. In summary, the available evidence is currently insufficient to determine the role of this variant in disease. Therefore, it has been classified as a Variant of Uncertain Significance.